The following is an entry in ClinVar:

ClinVar aggregate classification (germline): Uncertain significance. Review status: criteria provided, multiple submitters, no conflicts (2 of 4 stars). 2 submissions from 2 submitters: Uncertain significance (2). Last evaluated 2026-06-13.

Conditions:
SIM1-related disorder. Also called: SIM1-related condition; SIM1-related disorders.
Inborn genetic diseases. Identifiers: MedGen C0950123, MeSH D030342.

gnomAD v4.1: 2 of 1,614,068 alleles (0.00012%); highest among the groups gnomAD compares: Admixed American, 0.0017%; no homozygotes.

Submissions (2):

PreventionGenetics, part of Exact Sciences
Classification: Uncertain significance for SIM1-related condition. Last evaluated: 2026-06-13. Review status: criteria provided, single submitter. Criteria: ACMG Guidelines, 2015. Collection method: clinical testing. Allele origin: germline.
Comment: The SIM1 c.2189A>G variant is predicted to result in the amino acid substitution p.Tyr730Cys. To our knowledge, this variant has not been reported in the literature or in a large population database (gnomAD), indicating this variant is rare. At this time, the clinical significance of this variant is uncertain due to the absence of conclusive functional and genetic evidence.

Ambry Genetics
Classification: Uncertain significance for Inborn genetic diseases. Last evaluated: 2024-07-07. Review status: criteria provided, single submitter. Criteria: Ambry Variant Classification Scheme 2023. Collection method: clinical testing. Allele origin: germline.

NM_005068.3(SIM1):c.2189A>G (p.Tyr730Cys)

Gene: SIM1 (SIM bHLH transcription factor 1; minus strand). Cytogenetic location: 6q16.3.
Variant type: single nucleotide variant.
Coding change: c.2189A>G on transcript NM_005068.3 (MANE Select); coding-DNA position 2189, A replaced by G.
Protein change: p.Tyr730Cys; replaces tyrosine 730 with cysteine.
Molecular consequence: missense variant.
Genome position (GRCh38, 1-based): chr6:100,390,473, T>C on the plus strand (A>G on the coding strand, the complement: SIM1 is on the minus strand). VCF-style: chr6-100390473-T-C. GRCh37 (hg19) VCF-style: chr6-100838349-T-C.
Other names: c.2189A>G, p.Tyr730Cys (NM_001374769.1); short protein forms Y730C.
Identifiers: ClinVar variation 3441961 (VCV003441961.2).